The following is an entry in ClinVar:

NM_000444.6(PHEX):c.1036T>G (p.Tyr346Asp)

Gene: PHEX (phosphate regulating endopeptidase X-linked; plus strand). Cytogenetic location: Xp22.11.
Variant type: single nucleotide variant.
Coding change: c.1036T>G on transcript NM_000444.6 (MANE Select); coding-DNA position 1036, T replaced by G.
Protein change: p.Tyr346Asp; replaces tyrosine 346 with aspartic acid.
Molecular consequence: missense variant.
Genome position (GRCh38, 1-based): chrX:22,099,108, T>G. VCF-style: chrX-22099108-T-G. GRCh37 (hg19) VCF-style: chrX-22117226-T-G.
Other names: c.1036T>G, p.Tyr346Asp (NM_001282754.2); short protein forms Y346D.
Identifiers: ClinVar variation 2737113 (VCV002737113.3), dbSNP rs2519780004, ClinGen allele CA412572954.

ClinVar aggregate classification (germline): Pathogenic (1 of 4 stars; one submission).

Submission:

Labcorp Genetics (formerly Invitae), Labcorp
Classification: Pathogenic. Last evaluated: 2022-11-14. Review status: criteria provided, single submitter. Criteria: Invitae Variant Classification Sherloc (09022015). Collection method: clinical testing. Allele origin: germline.
Comment: This sequence change replaces tyrosine, which is neutral and polar, with aspartic acid, which is acidic and polar, at codon 346 of the PHEX protein (p.Tyr346Asp). This variant is not present in population databases (gnomAD no frequency). This missense change has been observed in individual(s) with hypophosphatemic rickets (PMID: 19219621). Advanced modeling of protein sequence and biophysical properties (such as structural, functional, and spatial information, amino acid conservation, physicochemical variation, residue mobility, and thermodynamic stability) performed at Invitae indicates that this missense variant is expected to disrupt PHEX protein function. This variant disrupts the p.Tyr346 amino acid residue in PHEX. Other variant(s) that disrupt this residue have been determined to be pathogenic (PMID: 26402641, 34434907). This suggests that this residue is clinically significant, and that variants that disrupt this residue are likely to be disease-causing. For these reasons, this variant has been classified as Pathogenic.

Literature cited by the submitters: PubMed 19219621; PubMed 26402641; PubMed 34434907.